The following is an entry in ClinVar:

NM_000138.5(FBN1):c.6859G>A (p.Glu2287Lys)

Gene: FBN1 (fibrillin 1; minus strand). Cytogenetic location: 15q21.1.
Variant type: single nucleotide variant.
Coding change: c.6859G>A on transcript NM_000138.5 (MANE Select); coding-DNA position 6859, G replaced by A.
Protein change: p.Glu2287Lys; replaces glutamic acid 2287 with lysine.
Molecular consequence: missense variant.
Genome position (GRCh38, 1-based): chr15:48,430,683, C>T on the plus strand (G>A on the coding strand, the complement: FBN1 is on the minus strand). VCF-style: chr15-48430683-C-T. GRCh37 (hg19) VCF-style: chr15-48722880-C-T.
Other names: short protein forms E2287K.
Identifiers: ClinVar variation 1190771 (VCV001190771.5), dbSNP rs551736585, ClinGen allele CA392331951.

ClinVar aggregate classification (germline): Uncertain significance. Review status: criteria provided, multiple submitters, no conflicts (2 of 4 stars). 2 submissions from 2 submitters: Uncertain significance (2). Last evaluated 2023-11-29.

Conditions:
Marfan syndrome (MFS). Also called: MARFAN SYNDROME, TYPE I; Marfan syndrome type 1; Marfan's syndrome; Marfan syndrome, classic; FBN1-Related Marfan Syndrome. Identifiers: Orphanet 284963, Orphanet 558, MedGen C0024796, MONDO:0007947, OMIM 154700.
Familial thoracic aortic aneurysm and aortic dissection (TAAD). Also called: Thoracic aortic aneurysms and dissections. Identifiers: Orphanet 91387, MedGen C4707243, MONDO:0019625.

gnomAD v4.1: 3 of 1,613,830 alleles (0.00019%); highest among the groups gnomAD compares: Non-Finnish European, 0.00025%; no homozygotes.

Submissions (2):

Labcorp Genetics (formerly Invitae), Labcorp
Classification: Uncertain significance for Marfan syndrome; Familial thoracic aortic aneurysm and aortic dissection. Last evaluated: 2023-11-29. Review status: criteria provided, single submitter. Criteria: Invitae Variant Classification Sherloc (09022015). Collection method: clinical testing. Allele origin: germline.
Comment: This sequence change replaces glutamic acid, which is acidic and polar, with lysine, which is basic and polar, at codon 2287 of the FBN1 protein (p.Glu2287Lys). This variant is present in population databases (no rsID available, gnomAD 0.01%). This variant has not been reported in the literature in individuals affected with FBN1-related conditions. ClinVar contains an entry for this variant (Variation ID: 1190771). Advanced modeling of protein sequence and biophysical properties (such as structural, functional, and spatial information, amino acid conservation, physicochemical variation, residue mobility, and thermodynamic stability) has been performed at Invitae for this missense variant, however the output from this modeling did not meet the statistical confidence thresholds required to predict the impact of this variant on FBN1 protein function. In summary, the available evidence is currently insufficient to determine the role of this variant in disease. Therefore, it has been classified as a Variant of Uncertain Significance.

GeneDx
Classification: Uncertain significance. Last evaluated: 2020-09-21. Review status: criteria provided, single submitter. Criteria: GeneDx Variant Classification Process June 2021. Collection method: clinical testing. Allele origin: germline. Affected: yes.
Comment: Has not been previously published as pathogenic or benign to our knowledge; In silico analysis, which includes protein predictors and evolutionary conservation, supports a deleterious effect; Not observed in large population cohorts (Lek et al., 2016); Does not affect a cysteine residue within a calcium-binding EGF-like domain of the FBN1 gene; cysteine substitutions in the calcium-binding EGF-like domains represent the majority of pathogenic missense changes associated with FBN1-related disorders (Collod-Beroud et al., 2003)